The following is an entry in ClinVar:

ClinVar aggregate classification (germline): Benign/Likely benign. Review status: criteria provided, multiple submitters, no conflicts (2 of 4 stars). 4 submissions from 4 submitters: Benign (1); Likely benign (3). Last evaluated 2026-02-01.

Conditions:
Congenital myasthenic syndrome 5. Identifiers: Orphanet 590, MedGen C1864233, MONDO:0011281, OMIM 603034.

Allele frequency attached by ClinVar (database versions not stated): gnomAD 0.00026 and 0.00039; gnomAD exomes 0.00038 and 0.00079; TOPMed 0.00048; ExAC 0.00074; 1000 Genomes Project 30x 0.00156; 1000 Genomes Project 0.00160.
gnomAD v4.1: 613 of 1,612,834 alleles (0.038%); highest among the groups gnomAD compares: East Asian, 1.1%; 5 homozygotes.

Submissions (4):

Labcorp Genetics (formerly Invitae), Labcorp
Classification: Benign for Congenital myasthenic syndrome 5. Last evaluated: 2026-02-01. Review status: criteria provided, single submitter. Criteria: Invitae Variant Classification Sherloc (09022015). Collection method: clinical testing. Allele origin: germline.

Laboratory of Genetics, Children's Clinical University Hospital Latvia
Classification: Likely benign. Last evaluated: 2025-02-16. Review status: criteria provided, single submitter. Criteria: ACMG Guidelines, 2015. Collection method: clinical testing. Allele origin: germline. Affected: yes.

Blueprint Genetics
Classification: Likely benign. Last evaluated: 2024-11-07. Review status: criteria provided, single submitter. Criteria: ACMG Guidelines, 2015. Collection method: clinical testing. Allele origin: germline.

Illumina Laboratory Services, Illumina
Classification: Likely benign for Congenital myasthenic syndrome 5. Last evaluated: 2018-01-13. Review status: criteria provided, single submitter. Criteria: ICSL Variant Classification Criteria 13 December 2019. Collection method: clinical testing. Allele origin: germline.
Comment: This variant was observed in the ICSL laboratory as part of a predisposition screen in an ostensibly healthy population. It had not been previously curated by ICSL or reported in the Human Gene Mutation Database (HGMD: prior to June 1st, 2018), and was therefore a candidate for classification through an automated scoring system. Utilizing variant allele frequency, disease prevalence and penetrance estimates, and inheritance mode, an automated score was calculated to assess if this variant is too frequent to cause the disease. Based on the score and internal cut-off values, a variant classified as likely benign is not then subjected to further curation. The score for this variant resulted in a classification of likely benign for this disease.

NM_005677.4(COLQ):c.300C>T (p.Ser100=)

Gene: COLQ (collagen like tail subunit of asymmetric acetylcholinesterase; minus strand). Cytogenetic location: 3p25.1.
Variant type: single nucleotide variant.
Coding change: c.300C>T on transcript NM_005677.4 (MANE Select); coding-DNA position 300, C replaced by T.
Protein change: p.Ser100=; no amino-acid change (serine 100 retained).
Molecular consequence: synonymous variant. On other transcripts: intron variant (1).
Genome position (GRCh38, 1-based): chr3:15,488,227, G>A on the plus strand (C>T on the coding strand, the complement: COLQ is on the minus strand). VCF-style: chr3-15488227-G-A. GRCh37 (hg19) VCF-style: chr3-15529734-G-A.
Other names: c.270C>T, p.Ser90= (NM_080538.2); c.219+1298C>T (NM_080539.4).
Identifiers: ClinVar variation 343854 (VCV000343854.19), dbSNP rs2305611, ClinGen allele CA2276259.
Genomic context (GRCh38, chr3:15,488,227, plus strand): 5'-ACAGAAGACAGCGAGAGGGGTCCGGTAGAGTGCACCAACCTGGGGGCCGGGAGGCCCAGG[G>A]GAGCCTAGCGAGCCTTGCATGCACGGGGACTGCGAGGTCTCCAGTTCCAGCATGAGATTC-3'
Protein context (NP_005668.2, residues 90-110): QSPCMQGSLG[Ser100=]PGPPGPQGPP